The following is an entry in ClinVar:

ClinVar aggregate classification (germline): Conflicting classifications of pathogenicity. Review status: criteria provided, conflicting classifications (1 of 4 stars). 2 submissions from 2 submitters: Uncertain significance (1); Likely benign (1). Last evaluated 2025-10-11.

Conditions:
Neuroblastoma, susceptibility to, 3. Also called: ALK-Related Neuroblastic Tumor Susceptibility. Identifiers: Orphanet 635, MedGen C2751681, MONDO:0013083, OMIM 613014.
Hereditary cancer-predisposing syndrome. Also called: Neoplastic Syndromes, Hereditary; Hereditary Cancer Syndrome; Hereditary neoplastic syndrome; Tumor predisposition. Identifiers: Orphanet 140162, MedGen C0027672, MeSH D009386, MONDO:0015356.

Allele frequency attached by ClinVar (database versions not stated): gnomAD exomes below 0.00001 and 0.00001; TOPMed below 0.00001; ExAC 0.00001.
gnomAD v4.1: 6 of 1,607,612 alleles (0.00037%); highest among the groups gnomAD compares: Admixed American, 0.0017%; no homozygotes.

Submissions (2):

Labcorp Genetics (formerly Invitae), Labcorp
Classification: Uncertain significance for Neuroblastoma, susceptibility to, 3. Last evaluated: 2025-10-11. Review status: criteria provided, single submitter. Criteria: Invitae Variant Classification Sherloc (09022015). Collection method: clinical testing. Allele origin: germline.
Comment: This sequence change replaces valine, which is neutral and non-polar, with isoleucine, which is neutral and non-polar, at codon 1421 of the ALK protein (p.Val1421Ile). This variant is present in population databases (rs774358799, gnomAD 0.007%). This variant has not been reported in the literature in individuals affected with ALK-related conditions. ClinVar contains an entry for this variant (Variation ID: 646286). An algorithm developed to predict the effect of missense changes on protein structure and function outputs the following: PolyPhen-2: "Benign". The isoleucine amino acid residue is found in multiple mammalian species, which suggests that this missense change does not adversely affect protein function. In summary, the available evidence is currently insufficient to determine the role of this variant in disease. Therefore, it has been classified as a Variant of Uncertain Significance.

Ambry Genetics
Classification: Likely benign for Hereditary cancer-predisposing syndrome. Last evaluated: 2023-11-18. Review status: criteria provided, single submitter. Criteria: Ambry Variant Classification Scheme 2023. Collection method: clinical testing. Allele origin: germline.

NM_004304.5(ALK):c.4261G>A (p.Val1421Ile)

Gene: ALK (ALK receptor tyrosine kinase; minus strand). Cytogenetic location: 2p23.2.
Variant type: single nucleotide variant.
Coding change: c.4261G>A on transcript NM_004304.5 (MANE Select); coding-DNA position 4261, G replaced by A.
Protein change: p.Val1421Ile; replaces valine 1421 with isoleucine.
Molecular consequence: missense variant.
Genome position (GRCh38, 1-based): chr2:29,193,826, C>T on the plus strand (G>A on the coding strand, the complement: ALK is on the minus strand). VCF-style: chr2-29193826-C-T. GRCh37 (hg19) VCF-style: chr2-29416692-C-T.
Other names: c.1057G>A, p.Val353Ile (NM_001353765.2); short protein forms V1421I, V353I.
Identifiers: ClinVar variation 646286 (VCV000646286.7), dbSNP rs774358799, ClinGen allele CA1593607.